The following is an entry in ClinVar:

NM_005896.4(IDH1):c.949C>A (p.Arg317Ser)

Gene: IDH1 (isocitrate dehydrogenase (NADP(+)) 1; minus strand). Cytogenetic location: 2q34.
Variant type: single nucleotide variant.
Coding change: c.949C>A on transcript NM_005896.4 (MANE Select); coding-DNA position 949, C replaced by A.
Protein change: p.Arg317Ser; replaces arginine 317 with serine.
Molecular consequence: missense variant.
Genome position (GRCh38, 1-based): chr2:208,239,905, G>T on the plus strand (C>A on the coding strand, the complement: IDH1 is on the minus strand). VCF-style: chr2-208239905-G-T. GRCh37 (hg19) VCF-style: chr2-209104629-G-T.
Other names: c.949C>A, p.Arg317Ser (NM_001282386.1, NM_001282387.1); short protein forms R317S.
Identifiers: ClinVar variation 3225154 (VCV003225154.1), dbSNP rs754290687, ClinGen allele CA350095126.

ClinVar aggregate classification (germline): Uncertain significance (1 of 4 stars; one submission).

Submission:

Ambry Genetics
Classification: Uncertain significance. Last evaluated: 2024-02-27. Review status: criteria provided, single submitter. Criteria: Ambry Variant Classification Scheme 2023. Collection method: clinical testing. Allele origin: germline.
Comment: The p.R317S variant (also known as c.949C>A), located in coding exon 6 of the IDH1 gene, results from a C to A substitution at nucleotide position 949. The arginine at codon 317 is replaced by serine, an amino acid with dissimilar properties. This amino acid position is conserved. In addition, this alteration is predicted to be deleterious by in silico analysis. Based on the available evidence, the clinical significance of this alteration remains unclear.